The following is an entry in ClinVar:

ClinVar aggregate classification (germline): Benign. Review status: criteria provided, multiple submitters, no conflicts (2 of 4 stars). 11 submissions from 11 submitters: Benign (9). 2 of the submissions do not count toward it. Last evaluated 2026-02-04.

Conditions:
Dilated cardiomyopathy 1JJ (CMD1JJ). Identifiers: Orphanet 154, MedGen C3808935, MONDO:0014095, OMIM 615235.

Allele frequency attached by ClinVar (database versions not stated): gnomAD exomes 0.73220 and 0.77464; ESP Exome Variant Server 0.75135; ExAC 0.76915; gnomAD 0.77036 and 0.77387; 1000 Genomes Project 0.83986; 1000 Genomes Project 30x 0.83807; TOPMed 0.77754.
gnomAD v4.1: 1,186,852 of 1,611,098 alleles (74%); highest among the groups gnomAD compares: East Asian, 86%; 440,616 homozygotes.

Submissions (11):

Labcorp Genetics (formerly Invitae), Labcorp
Classification: Benign for Dilated cardiomyopathy 1JJ. Last evaluated: 2026-02-04. Review status: criteria provided, single submitter. Criteria: Invitae Variant Classification Sherloc (09022015). Collection method: clinical testing. Allele origin: germline.

Blueprint Genetics
Classification: Benign. Last evaluated: 2024-11-27. Review status: criteria provided, single submitter. Criteria: ACMG Guidelines, 2015. Collection method: clinical testing. Allele origin: germline.

Women's Health and Genetics/Laboratory Corporation of America, LabCorp
Classification: Benign. Last evaluated: 2023-04-04. Review status: criteria provided, single submitter. Criteria: LabCorp Variant Classification Summary - May 2015. Collection method: clinical testing. Allele origin: germline.

Genome-Nilou Lab
Classification: Benign for Dilated cardiomyopathy 1JJ. Last evaluated: 2021-08-19. Review status: criteria provided, single submitter. Criteria: ACMG Guidelines, 2015. Collection method: clinical testing. Allele origin: germline. Affected: no.

Clinical Genetics DNA and cytogenetics Diagnostics Lab, Erasmus MC, Erasmus Medical Center
Classification: Benign for Dilated cardiomyopathy 1JJ. Last evaluated: 2015-09-21. Review status: criteria provided, single submitter. Criteria: ACGS Guidelines, 2013. Collection method: clinical testing. Allele origin: germline. Affected: yes. Study: VKGL Data-share Consensus.

GeneDx
Classification: Benign. Last evaluated: 2013-11-22. Review status: criteria provided, single submitter. Criteria: GeneDx Variant Classification (06012015). Collection method: clinical testing. Allele origin: germline. Affected: yes.
Comment: This variant is considered likely benign or benign based on one or more of the following criteria: it is a conservative change, it occurs at a poorly conserved position in the protein, it is predicted to be benign by multiple in silico algorithms, and/or has population frequency not consistent with disease.

Biesecker Lab/Clinical Genomics Section, National Institutes of Health
Classification: Benign. Last evaluated: 2013-06-24. Review status: criteria provided, single submitter. Criteria: Ng et al. (Circ Cardiovasc Genet. 2013). Collection method: research. Allele origin: unknown. Observed: 812 variant alleles. Study: ClinSeq.
Comment: The study set was not selected for affection status in relation to any cancer. Pathogenicity categories were based on literature curation. See Pubmed ID:23861362 for details.

Medical sequencing

Laboratory for Molecular Medicine, Mass General Brigham Personalized Medicine
Classification: Benign. Last evaluated: 2011-09-16. Review status: criteria provided, single submitter. Criteria: LMM Criteria. Collection method: clinical testing. Allele origin: germline. Observed: 1,566 variant alleles.

PreventionGenetics, part of Exact Sciences
Classification: Benign. Review status: criteria provided, single submitter. Criteria: ACMG Guidelines, 2015. Collection method: clinical testing. Allele origin: germline.

Clinical Genetics, Academic Medical Center
Classification: Benign. Review status: no assertion criteria provided. Collection method: clinical testing. Allele origin: germline. Affected: yes. Study: VKGL Data-share Consensus. Not counted in ClinVar's aggregate classification.

Diagnostic Laboratory, Department of Genetics, University Medical Center Groningen
Classification: Benign for Dilated cardiomyopathy 1JJ. Review status: no assertion criteria provided. Collection method: clinical testing. Allele origin: germline. Affected: yes. Study: VKGL Data-share Consensus. Not counted in ClinVar's aggregate classification.

NM_001105206.3(LAMA4):c.3349G>A (p.Gly1117Ser)

Gene: LAMA4 (laminin subunit alpha 4; minus strand). Cytogenetic location: 6q21.
Variant type: single nucleotide variant.
Coding change: c.3349G>A on transcript NM_001105206.3 (MANE Select); coding-DNA position 3349, G replaced by A.
Protein change: p.Gly1117Ser; replaces glycine 1117 with serine.
Molecular consequence: missense variant.
Genome position (GRCh38, 1-based): chr6:112,136,188, C>T on the plus strand (G>A on the coding strand, the complement: LAMA4 is on the minus strand). VCF-style: chr6-112136188-C-T. GRCh37 (hg19) VCF-style: chr6-112457390-C-T.
Other names: p.G1110S:GGT>AGT; c.3328G>A, p.Gly1110Ser (NM_001105207.3, NM_002290.5); short protein forms G1110S, G1117S.
Identifiers: ClinVar variation 44376 (VCV000044376.21), dbSNP rs2032567, ClinGen allele CA282375.